The following is an entry in ClinVar:

ClinVar aggregate classification (germline): Uncertain significance. Review status: criteria provided, multiple submitters, no conflicts (2 of 4 stars). 2 submissions from 2 submitters: Uncertain significance (2). Last evaluated 2026-08-03.

Allele frequency attached by ClinVar (database versions not stated): gnomAD exomes 0.00001; gnomAD 0.00002.
gnomAD v4.1: 12 of 1,612,766 alleles (0.00074%); highest among the groups gnomAD compares: Non-Finnish European, 0.001%; no homozygotes.

Submissions (2):

Ambry Genetics
Classification: Uncertain significance. Last evaluated: 2026-08-03. Review status: criteria provided, single submitter. Criteria: Ambry Variant Classification Scheme 2023. Collection method: clinical testing. Allele origin: germline.
Comment: The p.D287G variant (also known as c.860A>G), located in coding exon 9 of the A2ML1 gene, results from an A to G substitution at nucleotide position 860. The aspartic acid at codon 287 is replaced by glycine, an amino acid with similar properties. This amino acid position is conserved. In addition, this alteration is predicted to be tolerated by in silico analysis. Based on the available evidence, the clinical significance of this variant remains unclear.

Labcorp Genetics (formerly Invitae), Labcorp
Classification: Uncertain significance. Last evaluated: 2023-12-30. Review status: criteria provided, single submitter. Criteria: Invitae Variant Classification Sherloc (09022015). Collection method: clinical testing. Allele origin: germline.
Comment: This sequence change replaces aspartic acid, which is acidic and polar, with glycine, which is neutral and non-polar, at codon 287 of the A2ML1 protein (p.Asp287Gly). This variant is present in population databases (no rsID available, gnomAD 0.0009%). This variant has not been reported in the literature in individuals affected with A2ML1-related conditions. An algorithm developed to predict the effect of missense changes on protein structure and function (PolyPhen-2) suggests that this variant is likely to be tolerated. In summary, the available evidence is currently insufficient to determine the role of this variant in disease. Therefore, it has been classified as a Variant of Uncertain Significance.

NM_144670.6(A2ML1):c.860A>G (p.Asp287Gly)

Gene: A2ML1 (alpha-2-macroglobulin like 1; plus strand). Cytogenetic location: 12p13.31.
Variant type: single nucleotide variant.
Coding change: c.860A>G on transcript NM_144670.6 (MANE Select); coding-DNA position 860, A replaced by G.
Protein change: p.Asp287Gly; replaces aspartic acid 287 with glycine.
Molecular consequence: missense variant.
Genome position (GRCh38, 1-based): chr12:8,838,340, A>G. VCF-style: chr12-8838340-A-G. GRCh37 (hg19) VCF-style: chr12-8990936-A-G.
Other names: c.860A>G (NM_144670.3); short protein forms D287G.
Identifiers: ClinVar variation 2738271 (VCV002738271.4), dbSNP rs1274281004, ClinGen allele CA383823261.